The following is an entry in ClinVar:

ClinVar aggregate classification (germline): Likely pathogenic (0 of 4 stars; one submission).

Conditions:
Hypertrophic cardiomyopathy 12. Identifiers: MedGen C2677491, MONDO:0012804, OMIM 612124.

Submission:

Diagnostics Centre, Carl Von Ossietzky University Oldenburg
Classification: Likely pathogenic for Hypertrophic cardiomyopathy 12. Last evaluated: 2025-08-28. Review status: no assertion criteria provided. Collection method: clinical testing. Allele origin: germline. Affected: yes. Observed: 1 variant allele.
Comment: The variant ALPK3:c.3301_3316dup p.(Ser1106Trpfs*57), located in the exon 6 of the ALPK3 gene results from a deletion at nucleotide position c.3301_3316. The variant results in a frameshift at protein position 1106 and the formation of a premature stop codon after 57 amino acids. The variant affects an exon [6/14] present in a biologically relevant transcript and is predicted to cause protein truncation/absent due to nonsense mediated decay, in a gene where loss-of-function is a known mechanism of disease. The variant has not yet been described in ClinVar or in any publications known to us. The variant is classified as very rare since it is absent in gnomAD v4.1.0. In summary, the variant is classified as Likely pathogenic.

NM_020778.5(ALPK3):c.3301_3316dup (p.Ser1106fs)

Gene: ALPK3 (alpha kinase 3; plus strand). Cytogenetic location: 15q25.3.
Variant type: Duplication.
Coding change: c.3301_3316dup on transcript NM_020778.5 (MANE Select); coding-DNA positions 3301 to 3316, 16 bases duplicated (GGCCTCCTGGGGGCCT).
Protein change: p.Ser1106fs; shifts the reading frame from serine 1106.
Molecular consequence: frameshift variant.
Genome position (GRCh38, 1-based): chr15:84,858,039-84,858,054, GGCCTCCTGGGGGCCT duplicated; duplicating any 16 consecutive bases within chr15:84,858,032-84,858,054 gives the same sequence; the c. name uses the placement nearest the transcript's 3' end. VCF-style (leftmost placement, unchanged base first): chr15-84858031-A-AGGGGCCTGGCCTCCTG. GRCh37 (hg19) VCF-style: chr15-85401262-A-AGGGGCCTGGCCTCCTG.
Other names: short protein forms S1106fs.
Identifiers: ClinVar variation 4845268 (VCV004845268.1).